The following is an entry in ClinVar:

ClinVar aggregate classification (germline): Uncertain significance. Review status: criteria provided, multiple submitters, no conflicts (2 of 4 stars). 2 submissions from 2 submitters: Uncertain significance (2). Last evaluated 2024-10-03.

Conditions:
Hereditary cancer-predisposing syndrome. Also called: Tumor predisposition; Neoplastic Syndromes, Hereditary; Hereditary Cancer Syndrome; Hereditary neoplastic syndrome. Identifiers: Orphanet 140162, MedGen C0027672, MeSH D009386, MONDO:0015356.
Familial adenomatous polyposis 2. Also called: Adenomas, multiple colorectal; COLORECTAL ADENOMATOUS POLYPOSIS, AUTOSOMAL RECESSIVE; ADENOMAS, MULTIPLE COLORECTAL, AUTOSOMAL RECESSIVE; FAP type 2; MYH-associated polyposis; MUTYH-associated polyposis. Identifiers: Orphanet 220460, Orphanet 247798, MedGen C3272841, MONDO:0012041, OMIM 608456.

Allele frequency attached by ClinVar (database versions not stated): ExAC 0.00002; gnomAD exomes below 0.00001.
gnomAD v4.1: 3 of 1,613,868 alleles (0.00019%); highest among the groups gnomAD compares: South Asian, 0.0033%; no homozygotes.

Submissions (2):

Ambry Genetics
Classification: Uncertain significance for Hereditary cancer-predisposing syndrome. Last evaluated: 2024-10-03. Review status: criteria provided, single submitter. Criteria: Ambry Variant Classification Scheme 2023. Collection method: clinical testing. Allele origin: germline.
Comment: The c.36G>C variant (also known as p.W12C), located in coding exon 1 of the MUTYH gene, results from a G to C substitution at nucleotide position 36. The amino acid change results in tryptophan to cysteine at codon 12, an amino acid with highly dissimilar properties. However, this change occurs in the last base pair of coding exon 1, which makes it likely to have some effect on normal mRNA splicing. This nucleotide position is not well conserved in available vertebrate species. In silico splice site analysis predicts that this alteration will weaken the native splice donor site and may result in the creation or strengthening of a novel splice donor site. RNA studies have demonstrated that this alteration results in a splice defect involving exons excluded from naturally occurring transcripts; the clinical impact of this abnormal splicing is unknown at this time (Ambry internal data). Based on the available evidence, the clinical significance of this variant remains unclear.

Labcorp Genetics (formerly Invitae), Labcorp
Classification: Uncertain significance for Familial adenomatous polyposis 2. Last evaluated: 2023-06-26. Review status: criteria provided, single submitter. Criteria: Invitae Variant Classification Sherloc (09022015). Collection method: clinical testing. Allele origin: germline.
Comment: In summary, the available evidence is currently insufficient to determine the role of this variant in disease. Therefore, it has been classified as a Variant of Uncertain Significance. Variants that disrupt the consensus splice site are a relatively common cause of aberrant splicing (PMID: 17576681, 9536098). Algorithms developed to predict the effect of sequence changes on RNA splicing suggest that this variant may disrupt the consensus splice site. Algorithms developed to predict the effect of missense changes on protein structure and function output the following: SIFT: "Not Available"; PolyPhen-2: "Benign"; Align-GVGD: "Not Available". The cysteine amino acid residue is found in multiple mammalian species, which suggests that this missense change does not adversely affect protein function. ClinVar contains an entry for this variant (Variation ID: 1358366). This variant has not been reported in the literature in individuals affected with MUTYH-related conditions. This variant is present in population databases (rs767402084, gnomAD 0.003%). This sequence change replaces tryptophan, which is neutral and slightly polar, with cysteine, which is neutral and slightly polar, at codon 12 of the MUTYH protein (p.Trp12Cys). This variant also falls at the last nucleotide of exon 1, which is part of the consensus splice site for this exon.

Literature cited by the submitters: PubMed 17576681 (cited by Labcorp Genetics (formerly Invitae), Labcorp); PubMed 9536098 (cited by Labcorp Genetics (formerly Invitae), Labcorp).

NM_001128425.2(MUTYH):c.36G>C (p.Trp12Cys)

Genes: MUTYH (mutY DNA glycosylase; minus strand), TOE1 (target of EGR1, exonuclease; plus strand). Cytogenetic location: 1p34.1.
Variant type: single nucleotide variant.
Coding change: c.36G>C on transcript NM_001128425.2 (MANE Plus Clinical); coding-DNA position 36, G replaced by C.
Protein change: p.Trp12Cys; replaces tryptophan 12 with cysteine.
Molecular consequence: missense variant. On other transcripts: 5 prime UTR variant (7), non-coding transcript variant (2), intron variant (1).
Genome position (GRCh38, 1-based): chr1:45,340,219, C>G on the plus strand (G>C on the coding strand, the complement: MUTYH is on the minus strand). VCF-style: chr1-45340219-C-G. GRCh37 (hg19) VCF-style: chr1-45805891-C-G.
Other names: c.36G>C, p.Trp12Cys (NM_001407069.1, NM_001407073.1, NM_012222.3 and 1 more transcripts); c.-23G>C (NM_001407070.1, NM_001407071.1); c.-7+4G>C (NM_001407072.1); c.-34C>G (NM_025077.4); c.-7G>C (NM_001048171.2); c.-219G>C (NM_001293192.2); c.-278G>C (NM_001350650.2); c.-214G>C (NM_001350651.2); short protein forms W12C.
Identifiers: ClinVar variation 1358366 (VCV001358366.9), dbSNP rs767402084, ClinGen allele CA089494.